The following is an entry in ClinVar:

ClinVar aggregate classification (germline): Uncertain significance. Review status: criteria provided, multiple submitters, no conflicts (2 of 4 stars). 2 submissions from 2 submitters: Uncertain significance (2). Last evaluated 2023-04-13.

Conditions:
Hereditary cancer-predisposing syndrome. Also called: Neoplastic Syndromes, Hereditary; Tumor predisposition; Hereditary Cancer Syndrome; Hereditary neoplastic syndrome. Identifiers: Orphanet 140162, MedGen C0027672, MeSH D009386, MONDO:0015356.

Allele frequency attached by ClinVar (database versions not stated): TOPMed 0.00001.

Submissions (2):

Ambry Genetics
Classification: Uncertain significance for Hereditary cancer-predisposing syndrome. Last evaluated: 2023-04-13. Review status: criteria provided, single submitter. Criteria: Ambry Variant Classification Scheme 2023. Collection method: clinical testing. Allele origin: germline.
Comment: The c.-3G>A variant is located in the 5' untranslated region (5&rsquo; UTR) of the MSH6 gene. This variant results from a G to A substitution 3 bases upstream from the first translated codon. This nucleotide position is not well conserved in available vertebrate species. Since supporting evidence is limited at this time, the clinical significance of this alteration remains unclear.

Color Diagnostics, LLC DBA Color Health
Classification: Uncertain significance for Hereditary cancer-predisposing syndrome. Last evaluated: 2019-01-07. Review status: criteria provided, single submitter. Criteria: ACMG Guidelines, 2015. Collection method: clinical testing. Allele origin: germline.

NM_000179.3(MSH6):c.-3G>A

Gene: MSH6 (mutS homolog 6; plus strand). Cytogenetic location: 2p16.3.
Variant type: single nucleotide variant.
Coding change: c.-3G>A on transcript NM_000179.3 (MANE Select); 3 bases upstream of the start codon, G replaced by A.
Molecular consequence: 5 prime UTR variant.
Genome position (GRCh38, 1-based): chr2:47,783,231, G>A. VCF-style: chr2-47783231-G-A. GRCh37 (hg19) VCF-style: chr2-48010370-G-A.
Other names: c.-3G>A (NM_001281492.2); c.-739G>A (NM_001281493.2).
Identifiers: ClinVar variation 920731 (VCV000920731.5), dbSNP rs1668107743, ClinGen allele CA913187944.
Genomic context (GRCh38, chr2:47,783,231, plus strand): 5'-GGTAGATGCGGTGCTTTTAGGAGCTCCGTCCGACAGAACGGTTGGGCCTTGCCGGCTGTC[G>A]GTATGTCGCGACAGAGCACCCTGTACAGCTTCTTCCCCAAGTCTCCGGCGCTGAGTGATG-3'